The following is an entry in ClinVar:

NM_133433.4(NIPBL):c.2672A>G (p.Asp891Gly)

Gene: NIPBL (NIPBL cohesin loading factor; plus strand). Cytogenetic location: 5p13.2.
Variant type: single nucleotide variant.
Coding change: c.2672A>G on transcript NM_133433.4 (MANE Select); coding-DNA position 2672, A replaced by G.
Protein change: p.Asp891Gly; replaces aspartic acid 891 with glycine.
Molecular consequence: missense variant.
Genome position (GRCh38, 1-based): chr5:36,985,852, A>G. VCF-style: chr5-36985852-A-G. GRCh37 (hg19) VCF-style: chr5-36985954-A-G.
Other names: c.2672A>G, p.Asp891Gly (NM_015384.5); short protein forms D891G.
Identifiers: ClinVar variation 3905794 (VCV003905794.10).

ClinVar aggregate classification (germline): Uncertain significance (1 of 4 stars; one submission).

Submission:

CeGaT Center for Human Genetics Tuebingen
Classification: Uncertain significance. Last evaluated: 2025-05-01. Review status: criteria provided, single submitter. Criteria: CeGaT Center For Human Genetics Tuebingen Variant Classification Criteria Version 2. Collection method: clinical testing. Allele origin: germline. Affected: yes. Observed: 1 variant allele.
Comment: NIPBL: PM2